The following is an entry in ClinVar:

ClinVar aggregate classification (germline): Uncertain significance (1 of 4 stars; one submission).

Conditions:
Neuronal ceroid lipofuscinosis. Also called: Neuronal Ceroid Lipofuscinoses. Identifiers: Orphanet 216, Orphanet 79263, MedGen C0027877, MONDO:0016295. Disease mechanism: loss of function.

Allele frequency attached by ClinVar (database versions not stated): gnomAD 0.00001.
gnomAD v4.1: 1 of 1,613,962 alleles (0.000062%); highest among the groups gnomAD compares: African/African-American, 0.0013%; no homozygotes.

Submission:

Labcorp Genetics (formerly Invitae), Labcorp
Classification: Uncertain significance for Neuronal ceroid lipofuscinosis. Last evaluated: 2020-10-03. Review status: criteria provided, single submitter. Criteria: Invitae Variant Classification Sherloc (09022015). Collection method: clinical testing. Allele origin: germline.
Comment: In summary, the available evidence is currently insufficient to determine the role of this variant in disease. Therefore, it has been classified as a Variant of Uncertain Significance. Algorithms developed to predict the effect of missense changes on protein structure and function are either unavailable or do not agree on the potential impact of this missense change (SIFT: "Deleterious"; PolyPhen-2: "Possibly Damaging"; Align-GVGD: "Class C0"). This variant is not present in population databases (ExAC no frequency). This sequence change replaces threonine with isoleucine at codon 27 of the DNAJC5 protein (p.Thr27Ile). The threonine residue is highly conserved and there is a moderate physicochemical difference between threonine and isoleucine. This variant has not been reported in the literature in individuals with DNAJC5-related conditions.

NM_025219.3(DNAJC5):c.80C>T (p.Thr27Ile)

Gene: DNAJC5 (DnaJ heat shock protein family (Hsp40) member C5; plus strand). Cytogenetic location: 20q13.33.
Variant type: single nucleotide variant.
Coding change: c.80C>T on transcript NM_025219.3 (MANE Select); coding-DNA position 80, C replaced by T.
Protein change: p.Thr27Ile; replaces threonine 27 with isoleucine.
Molecular consequence: missense variant.
Genome position (GRCh38, 1-based): chr20:63,928,425, C>T. VCF-style: chr20-63928425-C-T. GRCh37 (hg19) VCF-style: chr20-62559778-C-T.
Other names: short protein forms T27I.
Identifiers: ClinVar variation 1003409 (VCV001003409.8), dbSNP rs1198430134, ClinGen allele CA409715520.